The following is an entry in ClinVar:

NM_002529.4(NTRK1):c.1294del (p.Leu432fs)

Gene: NTRK1 (neurotrophic receptor tyrosine kinase 1; plus strand). Cytogenetic location: 1q23.1.
Variant type: Deletion.
Coding change: c.1294del on transcript NM_002529.4 (MANE Select); coding-DNA position 1294, one base deleted (C; older notation c.1294delC).
Protein change: p.Leu432fs; shifts the reading frame from leucine 432.
Molecular consequence: frameshift variant.
Genome position (GRCh38, 1-based): chr1:156,874,948, C deleted; the last of 2 consecutive C bases (chr1:156,874,947-156,874,948); deleting either gives the same sequence. VCF-style (leftmost placement, unchanged base first): chr1-156874946-TC-T. GRCh37 (hg19) VCF-style: chr1-156844738-TC-T.
Other names: c.1186del, p.Leu396fs (NM_001007792.1); c.1276del, p.Leu426fs (NM_001012331.2); short protein forms L396fs, L426fs, L432fs.
Identifiers: ClinVar variation 1076204 (VCV001076204.7), dbSNP rs2102912108, ClinGen allele CA2499214230.

ClinVar aggregate classification (germline): Pathogenic (1 of 4 stars; one submission).

Conditions:
Hereditary insensitivity to pain with anhidrosis (CIPA). Also called: NTRK1 Congenital Insensitivity to Pain with Anhidrosis; FAMILIAL DYSAUTONOMIA, TYPE II; hereditary sensory and autonomic neuropathy type 4; INSENSITIVITY TO PAIN, CONGENITAL, WITH ANHIDROSIS; NEUROPATHY, CONGENITAL SENSORY, WITH ANHIDROSIS; HSAN Type IV. Identifiers: Orphanet 642, MedGen C0020074, MONDO:0009746, OMIM 256800.

Submission:

Labcorp Genetics (formerly Invitae), Labcorp
Classification: Pathogenic for Hereditary insensitivity to pain with anhidrosis. Last evaluated: 2020-05-26. Review status: criteria provided, single submitter. Criteria: Invitae Variant Classification Sherloc (09022015). Collection method: clinical testing. Allele origin: germline.
Comment: This sequence change creates a premature translational stop signal (p.Leu426Phefs*38) in the NTRK1 gene. It is expected to result in an absent or disrupted protein product. This variant is not present in population databases (ExAC no frequency). This variant has not been reported in the literature in individuals with NTRK1-related conditions. Loss-of-function variants in NTRK1 are known to be pathogenic (PMID: 10982191). For these reasons, this variant has been classified as Pathogenic.

Literature cited by the submitters: PubMed 10982191.